The following is an entry in ClinVar:

ClinVar aggregate classification (germline): Uncertain significance (1 of 4 stars; one submission).

Conditions:
Hereditary cancer-predisposing syndrome. Also called: Neoplastic Syndromes, Hereditary; Tumor predisposition; Hereditary Cancer Syndrome; Hereditary neoplastic syndrome. Identifiers: Orphanet 140162, MedGen C0027672, MeSH D009386, MONDO:0015356.

Submission:

Ambry Genetics
Classification: Uncertain significance for Hereditary cancer-predisposing syndrome. Last evaluated: 2025-09-17. Review status: criteria provided, single submitter. Criteria: Ambry Variant Classification Scheme 2023. Collection method: clinical testing. Allele origin: germline.
Comment: The c.325_326delCCinsTT variant (also known as p.P109F), located in coding exon 2 of the NTHL1 gene, results from an in-frame deletion of CC and insertion of TT at nucleotide positions 325 to 326. This results in the substitution of the proline residue for a phenylalanine residue at codon 109, an amino acid with dissimilar properties. This amino acid position is highly conserved in available vertebrate species. In addition, this variant is predicted to be deleterious by in silico analysis (Choi Y et al. PLoS ONE. 2012; 7(10):e46688). Based on the available evidence, the clinical significance of this variant remains unclear.

NM_002528.7(NTHL1):c.301_302delinsTT (p.Pro101Phe)

Gene: NTHL1 (nth like DNA glycosylase 1; minus strand). Cytogenetic location: 16p13.3.
Variant type: Indel.
Coding change: c.301_302delinsTT on transcript NM_002528.7 (MANE Select); coding-DNA positions 301 to 302, CC replaced by TT.
Protein change: p.Pro101Phe; replaces proline 101 with phenylalanine.
Molecular consequence: missense variant. On other transcripts: intron variant (1).
Genome position (GRCh38, 1-based): chr16:2,046,180-2,046,181, GG replaced by AA on the plus strand (CC replaced by TT on the coding strand, the reverse complement: NTHL1 is on the minus strand). VCF-style: chr16-2046180-GG-AA. GRCh37 (hg19) VCF-style: chr16-2096181-GG-AA.
Other names: c.301_302delinsTT, p.Pro101Phe (NM_001318193.2); c.24+99_24+100delinsTT (NM_001318194.2); short protein forms P101F.
Identifiers: ClinVar variation 4662230 (VCV004662230.1).
Genomic context (GRCh38, chr16:2,046,180, plus strand): 5'-CTGCCTACCTTTGGGGGGGCACTGGAGTCATAGCAGTGCTCAGTCCCCAGATGGTCCACA[GG>AA]TGCATCCTTTTTGTTCCTCATGGCACGGATGTTGACCAGCTGTTGCTGCCAGTCCTGGGG-3'
Protein context (NP_002519.2, residues 91-111): IRAMRNKKDA[Pro101Phe]VDHLGTEHCY